The following is an entry in ClinVar:

NM_001904.4(CTNNB1):c.1525-2A>G

Genes: CTNNB1 (catenin beta 1; plus strand), LOC126806659 (BRD4-independent group 4 enhancer GRCh37_chr3:41274918-41276117; plus strand). Cytogenetic location: 3p22.1.
Variant type: single nucleotide variant.
Coding change: c.1525-2A>G on transcript NM_001904.4 (MANE Select); the canonical splice acceptor site of the intron before coding-DNA position 1525, A replaced by G.
Molecular consequence: splice acceptor variant.
Genome position (GRCh38, 1-based): chr3:41,234,137, A>G. VCF-style: chr3-41234137-A-G. GRCh37 (hg19) VCF-style: chr3-41275628-A-G.
Other names: c.1504-2A>G (NM_001330729.2); c.1525-2A>G (NM_001098209.2, NM_001098210.2, NM_001438874.1 and 4 more transcripts).
Identifiers: ClinVar variation 4293487 (VCV004293487.1).

ClinVar aggregate classification (germline): Likely pathogenic (1 of 4 stars; one submission).

Conditions:
Severe intellectual disability-progressive spastic diplegia syndrome (NEDSDV). Also called: NEURODEVELOPMENTAL DISORDER WITH SPASTIC DIPLEGIA AND VISUAL DEFECTS; CTNNB1 Neurodevelopmental Disorder. Identifiers: Orphanet 404473, MedGen C3554449, MONDO:0014035, OMIM 615075.

Submission:

3billion
Classification: Likely pathogenic for Severe intellectual disability-progressive spastic diplegia syndrome. Last evaluated: 2024-06-19. Review status: criteria provided, single submitter. Criteria: ACMG Guidelines, 2015. Collection method: clinical testing. Allele origin: germline. Affected: yes.
Comment: The variant is not observed in the gnomAD v4.0.0 dataset. Predicted Consequence/Location: Canonical splice site: predicted to alter splicing and result in a loss or disruption of normal protein function. Multiple pathogenic loss-of-function variants are reported downstream of the variant. In silico tools predict the variant to alter splicing and produce an abnormal transcript [SpliceAI: 0.99 (spliceogenicity >=0.2, non-spliceogenicity <0.1)]. Therefore, this variant is classified as Likely pathogenic according to the recommendation of ACMG/AMP guideline.